The following is an entry in ClinVar:

ClinVar aggregate classification (germline): Benign/Likely benign. Review status: criteria provided, multiple submitters, no conflicts (2 of 4 stars). 5 submissions from 5 submitters: Benign (3); Likely benign (1). 1 of the submissions does not count toward it. Last evaluated 2026-01-18.

Conditions:
DEPDC5-related disorder. Also called: DEPDC5-related condition; DEPDC5-related related disorder.
Familial focal epilepsy with variable foci (FPEVF). Identifiers: Orphanet 98820, MedGen C1858477, MONDO:0020310.
Inborn genetic diseases. Identifiers: MedGen C0950123, MeSH D030342.

Allele frequency attached by ClinVar (database versions not stated): gnomAD 0.00003 and 0.00044; ESP Exome Variant Server 0.00008; TOPMed 0.00008; gnomAD exomes 0.00068 and 0.00151; ExAC 0.00187; 1000 Genomes Project 0.00399; 1000 Genomes Project 30x 0.00422.
gnomAD v4.1: 1,065 of 1,613,174 alleles (0.066%); highest among the groups gnomAD compares: South Asian, 1.1%; 12 homozygotes.

Submissions (5):

Labcorp Genetics (formerly Invitae), Labcorp
Classification: Benign for Familial focal epilepsy with variable foci. Last evaluated: 2026-01-18. Review status: criteria provided, single submitter. Criteria: Invitae Variant Classification Sherloc (09022015). Collection method: clinical testing. Allele origin: germline.

CeGaT Center for Human Genetics Tuebingen
Classification: Likely benign. Last evaluated: 2025-12-01. Review status: criteria provided, single submitter. Criteria: CeGaT Center For Human Genetics Tuebingen Variant Classification Criteria Version 2. Collection method: clinical testing. Allele origin: germline. Affected: yes. Observed: 3 variant alleles.
Comment: DEPDC5: BS1

GeneDx
Classification: Benign. Last evaluated: 2020-03-27. Review status: criteria provided, single submitter. Criteria: GeneDx Variant Classification Process June 2021. Collection method: clinical testing. Allele origin: germline. Affected: yes.

Ambry Genetics
Classification: Benign for Inborn genetic diseases. Last evaluated: 2016-12-02. Review status: criteria provided, single submitter. Criteria: Ambry Variant Classification Scheme 2023. Collection method: clinical testing. Allele origin: germline.

PreventionGenetics, part of Exact Sciences
Classification: Likely benign for DEPDC5-related condition. Last evaluated: 2019-04-05. Review status: no assertion criteria provided. Collection method: clinical testing. Allele origin: germline. Not counted in ClinVar's aggregate classification.
Comment: This variant is classified as likely benign based on ACMG/AMP sequence variant interpretation guidelines (Richards et al. 2015 PMID: 25741868, with internal and published modifications).

NM_001242896.3(DEPDC5):c.2004A>G (p.Gly668=)

Gene: DEPDC5 (DEP domain containing 5, GATOR1 subcomplex subunit; plus strand). Cytogenetic location: 22q12.3.
Variant type: single nucleotide variant.
Coding change: c.2004A>G on transcript NM_001242896.3 (MANE Select); coding-DNA position 2004, A replaced by G.
Protein change: p.Gly668=; no amino-acid change (glycine 668 retained).
Molecular consequence: synonymous variant. On other transcripts: non-coding transcript variant (4), intron variant (3).
Genome position (GRCh38, 1-based): chr22:31,821,635, A>G. VCF-style: chr22-31821635-A-G. GRCh37 (hg19) VCF-style: chr22-32217621-A-G.
Other names: c.2004A>G, p.Gly668= (NM_001136029.4, NM_001363852.2, NM_001364318.2 and 3 more transcripts); c.1920A>G, p.Gly640= (NM_001369901.1, NM_001369902.1); c.1870+2410A>G (NM_001363854.2, NM_001242897.2, NM_001364319.2).
Identifiers: ClinVar variation 466460 (VCV000466460.40), dbSNP rs374037144, ClinGen allele CA10196522.